The following is an entry in ClinVar:

NM_021167.5(GATAD1):c.117_131del (p.38_42GAGSG[1])

Genes: GATAD1 (GATA zinc finger domain containing 1; plus strand), LOC129998793 (ATAC-STARR-seq lymphoblastoid silent region 18371; plus strand). Cytogenetic location: 7q21.2.
Variant type: Deletion.
Coding change: c.117_131del on transcript NM_021167.5 (MANE Select); coding-DNA positions 117 to 131, 15 bases deleted (GGGCAGCGGGGGCGC).
Protein change: p.38_42GAGSG[1].
Molecular consequence: inframe deletion. On other transcripts: non-coding transcript variant (1).
Genome position (GRCh38, 1-based): chr7:92,447,846-92,447,860, GGGCAGCGGGGGCGC deleted; deleting any 15 consecutive bases within chr7:92,447,841-92,447,860 gives the same sequence; the c. name uses the placement nearest the transcript's 3' end. VCF-style (leftmost placement, unchanged base first): chr7-92447840-CGGCGCGGGCAGCGGG-C. GRCh37 (hg19) VCF-style: chr7-92077154-CGGCGCGGGCAGCGGG-C.
Identifiers: ClinVar variation 834582 (VCV000834582.12), dbSNP rs779421592, ClinGen allele CA4340230.
Genomic context (GRCh38, chr7:92,447,840, plus strand): 5'-CTCCATGTGGAAGAAGGGAGCGCAGGGGGAGATCCTCTGCCATCATTGCACTGGCCGGGG[CGGCGCGGGCAGCGGG>C]GGCGCAGGCTCGGGGGCGGCTGGAGGGACTGGGGGCAGCGGCGGCGGCGGCTTCGGCGCG-3'

ClinVar aggregate classification (germline): Uncertain significance. Review status: criteria provided, multiple submitters, no conflicts (2 of 4 stars). 2 submissions from 2 submitters: Uncertain significance (2). Last evaluated 2025-06-16.

Conditions:
Dilated cardiomyopathy 2B. Identifiers: Orphanet 154, MedGen C3553409, MONDO:0013848, OMIM 614672.
Cardiovascular phenotype. Identifiers: MedGen CN230736.

Submissions (2):

Labcorp Genetics (formerly Invitae), Labcorp
Classification: Uncertain significance for Dilated cardiomyopathy 2B. Last evaluated: 2025-06-16. Review status: criteria provided, single submitter. Criteria: Invitae Variant Classification Sherloc (09022015). Collection method: clinical testing. Allele origin: germline.
Comment: This variant, c.117_131del, results in the deletion of 5 amino acid(s) of the GATAD1 protein (p.Gly43_Gly47del), but otherwise preserves the integrity of the reading frame. This variant is present in population databases (rs779421592, gnomAD 0.08%). This variant has not been reported in the literature in individuals affected with GATAD1-related conditions. ClinVar contains an entry for this variant (Variation ID: 834582). Experimental studies and prediction algorithms are not available or were not evaluated, and the functional significance of this variant is currently unknown. In summary, the available evidence is currently insufficient to determine the role of this variant in disease. Therefore, it has been classified as a Variant of Uncertain Significance.

Ambry Genetics
Classification: Uncertain significance for Cardiovascular phenotype. Last evaluated: 2021-12-01. Review status: criteria provided, single submitter. Criteria: Ambry Variant Classification Scheme 2023. Collection method: clinical testing. Allele origin: germline.
Comment: The c.117_131del15 variant (also known as p.G43_G47del) is located in coding exon 1 of the GATAD1 gene. This variant results from an in-frame GGGCAGCGGGGGCGC deletion at nucleotide positions 117 to 131. This results in the in-frame deletion of 5 amino acids at codon 43. Based on data from gnomAD, this deletion has an overall frequency of 0.008% (7/87520) total alleles studied. The highest observed frequency was 0.070% (2/2862) of East Asian alleles. This amino acid region is not well conserved in available vertebrate species. In addition, this alteration is predicted to be neutral by in silico analysis (Choi Y et al. PLoS ONE. 2012; 7(10):e46688). The evidence for this gene-disease relationship is limited; therefore, the clinical significance of this alteration is unclear.